The following is an entry in ClinVar:

NM_014254.3(RXYLT1):c.638C>T (p.Pro213Leu)

Gene: RXYLT1 (ribitol xylosyltransferase 1; plus strand). Cytogenetic location: 12q14.2.
Variant type: single nucleotide variant.
Coding change: c.638C>T on transcript NM_014254.3 (MANE Select); coding-DNA position 638, C replaced by T.
Protein change: p.Pro213Leu; replaces proline 213 with leucine.
Molecular consequence: missense variant. On other transcripts: 5 prime UTR variant (1).
Genome position (GRCh38, 1-based): chr12:63,802,300, C>T. VCF-style: chr12-63802300-C-T. GRCh37 (hg19) VCF-style: chr12-64196080-C-T.
Other names: c.-143C>T (NM_001278237.2); short protein forms P213L.
Identifiers: ClinVar variation 863887 (VCV000863887.7), dbSNP rs1898180052, ClinGen allele CA385658080.
Genomic context (GRCh38, chr12:63,802,300, plus strand): 5'-TCCAGCATCTTGCTGTTGTTTTGCTCGGAAATGAACATTGTGATAATGAGTGGATAAACC[C>T]ATTCCTCAAAAGAAATGGAGGCTTCGTGGAGCTGCTTTTCATAATATATGACAGCCCCTG-3'
Protein context (NP_055069.1, residues 203-223): NEHCDNEWIN[Pro213Leu]FLKRNGGFVE

ClinVar aggregate classification (germline): Uncertain significance (1 of 4 stars; one submission).

Allele frequency attached by ClinVar (database versions not stated): gnomAD exomes below 0.00001; TOPMed below 0.00001; gnomAD 0.00001.
gnomAD v4.1: 3 of 1,613,608 alleles (0.00019%); highest among the groups gnomAD compares: African/African-American, 0.004%; no homozygotes.

Submission:

Labcorp Genetics (formerly Invitae), Labcorp
Classification: Uncertain significance. Last evaluated: 2022-02-03. Review status: criteria provided, single submitter. Criteria: Invitae Variant Classification Sherloc (09022015). Collection method: clinical testing. Allele origin: germline.
Comment: This sequence change replaces proline, which is neutral and non-polar, with leucine, which is neutral and non-polar, at codon 213 of the RXYLT1 protein (p.Pro213Leu). This variant is not present in population databases (gnomAD no frequency). This variant has not been reported in the literature in individuals affected with RXYLT1-related conditions. ClinVar contains an entry for this variant (Variation ID: 863887). Algorithms developed to predict the effect of missense changes on protein structure and function (SIFT, PolyPhen-2, Align-GVGD) all suggest that this variant is likely to be tolerated. In summary, the available evidence is currently insufficient to determine the role of this variant in disease. Therefore, it has been classified as a Variant of Uncertain Significance.